The following is an entry in ClinVar:

NM_024422.6(DSC2):c.1264C>T (p.Pro422Ser)

Gene: DSC2 (desmocollin 2; minus strand). Cytogenetic location: 18q12.1.
Variant type: single nucleotide variant.
Coding change: c.1264C>T on transcript NM_024422.6 (MANE Select); coding-DNA position 1264, C replaced by T.
Protein change: p.Pro422Ser; replaces proline 422 with serine.
Molecular consequence: missense variant.
Genome position (GRCh38, 1-based): chr18:31,080,352, G>A on the plus strand (C>T on the coding strand, the complement: DSC2 is on the minus strand). VCF-style: chr18-31080352-G-A. GRCh37 (hg19) VCF-style: chr18-28660318-G-A.
Other names: c.835C>T, p.Pro279Ser (NM_001406506.1, NM_001406507.1); c.1264C>T, p.Pro422Ser (NM_004949.5); short protein forms P422S, P279S.
Identifiers: ClinVar variation 2046323 (VCV002046323.4), dbSNP rs2510947242, ClinGen allele CA402109066.

ClinVar aggregate classification (germline): Uncertain significance (1 of 4 stars; one submission).

Conditions:
Arrhythmogenic right ventricular dysplasia 11. Also called: Arrhythmogenic Right Ventricular Dysplasia/Cardiomyopathy11; ARRHYTHMOGENIC RIGHT VENTRICULAR DYSPLASIA, FAMILIAL, 11; Arrhythmogenic right ventricular dysplasia 11 with mild palmoplantar keratoderma and woolly hair. Identifiers: MedGen C1864850, MONDO:0012506, OMIM 610476.

Allele frequency attached by ClinVar (database versions not stated): gnomAD exomes below 0.00001.

Submission:

Labcorp Genetics (formerly Invitae), Labcorp
Classification: Uncertain significance for Arrhythmogenic right ventricular dysplasia 11. Last evaluated: 2022-04-29. Review status: criteria provided, single submitter. Criteria: Invitae Variant Classification Sherloc (09022015). Collection method: clinical testing. Allele origin: germline.
Comment: In summary, the available evidence is currently insufficient to determine the role of this variant in disease. Therefore, it has been classified as a Variant of Uncertain Significance. Algorithms developed to predict the effect of missense changes on protein structure and function output the following: SIFT: "Tolerated"; PolyPhen-2: "Benign"; Align-GVGD: "Class C0". The serine amino acid residue is found in multiple mammalian species, which suggests that this missense change does not adversely affect protein function. This variant has not been reported in the literature in individuals affected with DSC2-related conditions. This variant is not present in population databases (gnomAD no frequency). This sequence change replaces proline, which is neutral and non-polar, with serine, which is neutral and polar, at codon 422 of the DSC2 protein (p.Pro422Ser).